The following is an entry in ClinVar:

NM_001267550.2(TTN):c.94190C>A (p.Ser31397Ter)

Genes: TTN-AS1 (TTN antisense RNA 1; plus strand), TTN (titin; minus strand). Cytogenetic location: 2q31.2.
Variant type: single nucleotide variant.
Coding change: c.94190C>A on transcript NM_001267550.2 (MANE Select); coding-DNA position 94190, C replaced by A.
Protein change: p.Ser31397Ter; replaces serine 31397 with a stop codon.
Molecular consequence: nonsense.
Genome position (GRCh38, 1-based): chr2:178,547,436, G>T on the plus strand (C>A on the coding strand, the complement: TTN is on the minus strand). VCF-style: chr2-178547436-G-T. GRCh37 (hg19) VCF-style: chr2-179412163-G-T.
Other names: c.89267C>A, p.Ser29756Ter (NM_001256850.1); c.66995C>A, p.Ser22332Ter (NM_003319.4); c.86486C>A, p.Ser28829Ter (NM_133378.4); c.67370C>A, p.Ser22457Ter (NM_133432.3); c.67571C>A, p.Ser22524Ter (NM_133437.4); short protein forms S31397*, S22524*, S28829*, S22332*, S22457*, S29756*.
Identifiers: ClinVar variation 1754932 (VCV001754932.2), dbSNP rs2469095187, ClinGen allele CA349477021.
Genomic context (GRCh38, chr2:178,547,436, plus strand): 5'-GACTTTGAAATAGGATTTTTATTTTTCTTACCAAATGGATGTTCAGCAATTATTGGTGCT[G>T]ATTCTAGAGGTTTGCTGACACCAAATCTGTTCTCTGAACTGACACGGAAAGAATATTCCA-3'

ClinVar aggregate classification (germline): Likely pathogenic (1 of 4 stars; one submission).

Conditions:
Cardiovascular phenotype. Identifiers: MedGen CN230736.

Submission:

Ambry Genetics
Classification: Likely pathogenic for Cardiovascular phenotype. Last evaluated: 2021-04-21. Review status: criteria provided, single submitter. Criteria: Ambry Variant Classification Scheme 2023. Collection method: clinical testing. Allele origin: germline.
Comment: The p.S22332* variant (also known as c.66995C>A), located in coding exon 166 of the TTN gene, results from a C to A substitution at nucleotide position 66995. This changes the amino acid from a serine to a stop codon within coding exon 166. This exon is located in the A-band region of the N2-B isoform of the titin protein and is constitutively expressed in TTN transcripts (percent spliced in or PSI 100%). This variant was not reported in population-based cohorts in the Genome Aggregation Database (gnomAD). This alteration is expected to result in loss of function by premature protein truncation or nonsense-mediated mRNA decay. While truncating variants in TTN are present in 1-3% of the general population, truncating variants in the A-band are the most common cause of dilated cardiomyopathy (DCM) (Herman DS et al. N. Engl. J. Med., 2012 Feb;366:619-28; Roberts AM et al. Sci Transl Med, 2015 Jan;7:270ra6). TTN truncating variants encoded in constitutive exons (PSI >90%) have been found to be significantly associated with DCM regardless of their position in titin (Schafer S et al. Nat. Genet., 2017 01;49:46-53). As such, this alteration is classified as likely pathogenic.